The following is an entry in ClinVar:

ClinVar aggregate classification (germline): Likely benign (1 of 4 stars; one submission).

Submission:

GeneDx
Classification: Likely benign. Last evaluated: 2017-05-19. Review status: criteria provided, single submitter. Criteria: GeneDx Variant Classification (06012015). Collection method: clinical testing. Allele origin: germline. Affected: yes.
Comment: This variant is considered likely benign or benign based on one or more of the following criteria: it is a conservative change, it occurs at a poorly conserved position in the protein, it is predicted to be benign by multiple in silico algorithms, and/or has population frequency not consistent with disease.

NM_139276.3(STAT3):c.1888+6G>A

Gene: STAT3 (signal transducer and activator of transcription 3; minus strand). Cytogenetic location: 17q21.2.
Variant type: single nucleotide variant.
Coding change: c.1888+6G>A on transcript NM_139276.3 (MANE Select); 6 bases into the intron after coding-DNA position 1888, G replaced by A.
Molecular consequence: intron variant.
Genome position (GRCh38, 1-based): chr17:42,322,998, C>T on the plus strand (G>A on the coding strand, the complement: STAT3 is on the minus strand). VCF-style: chr17-42322998-C-T. GRCh37 (hg19) VCF-style: chr17-40475016-C-T.
Other names: c.1792+6G>A (NM_001384989.1); c.1828+6G>A (NM_001384992.1); c.1804+6G>A (NM_001384984.1); c.1888+6G>A (NM_001369519.1, NM_003150.4, NM_001369517.1 and 9 more transcripts); c.1810+6G>A (NM_001384985.1); c.1867+6G>A (NM_001384987.1); c.1861+6G>A (NM_001384991.1); c.1903+6G>A (NM_001384986.1, NM_001384990.1).
Identifiers: ClinVar variation 509675 (VCV000509675.1), dbSNP rs1555563842, ClinGen allele CA645589639.
Genomic context (GRCh38, chr17:42,322,998, plus strand): 5'-CAACTAGAAGCAGTGATGAGGCCTCAGCAGCCACCAGCAGGTGGGGTGGGTGGGAGCCTC[C>T]CTTACCGCTGATGTCCTTCTCCACCCAAGTGAAAGTGACGCCTCCTTCTTTGCTGCTTTC-3'